The following is an entry in ClinVar:

NM_001374353.1(GLI2):c.*569T>A

Gene: GLI2 (GLI family zinc finger 2; plus strand). Cytogenetic location: 2q14.2.
Variant type: single nucleotide variant.
Coding change: c.*569T>A on transcript NM_001374353.1 (MANE Select); 569 bases downstream of the stop codon, T replaced by A.
Molecular consequence: 3 prime UTR variant.
Genome position (GRCh38, 1-based): chr2:120,991,244, T>A. VCF-style: chr2-120991244-T-A. GRCh37 (hg19) VCF-style: chr2-121748820-T-A.
Other names: c.*569T>A (NM_001371271.1, NM_001374354.1, NM_005270.5).
Identifiers: ClinVar variation 331005 (VCV000331005.5), dbSNP rs75544832, ClinGen allele CA10611104.

ClinVar aggregate classification (germline): Likely benign (1 of 4 stars; one submission).

Conditions:
Holoprosencephaly 9 (HPE9). Also called: HOLOPROSENCEPHALY WITH MICROPHTHALMIA AND FIRST BRANCHIAL ARCH ANOMALIES; PITUITARY ANOMALIES WITH HOLOPROSENCEPHALY-LIKE FEATURES. Identifiers: Orphanet 2162, MedGen C1835819, MONDO:0012563, OMIM 610829.

Allele frequency attached by ClinVar (database versions not stated): gnomAD exomes 0.00993; 1000 Genomes Project 0.02516; gnomAD 0.02660 and 0.02885; 1000 Genomes Project 30x 0.02717; TOPMed 0.02906.
gnomAD v4.1: 4,147 of 153,158 alleles (2.7%); highest among the groups gnomAD compares: African/African-American, 6.4%; 114 homozygotes.

Submission:

Illumina Laboratory Services, Illumina
Classification: Likely benign for Holoprosencephaly 9. Last evaluated: 2017-04-27. Review status: criteria provided, single submitter. Criteria: ICSL Variant Classification Criteria 13 December 2019. Collection method: clinical testing. Allele origin: germline.
Comment: This variant was observed as part of a predisposition screen in an ostensibly healthy population. A literature search was performed for the gene, cDNA change, and amino acid change (where applicable). No publications were found based on this search. Allele frequency data from public databases allowed determination this variant is unlikely to cause disease. Therefore, this variant is classified as likely benign.